The following is an entry in ClinVar:

ClinVar aggregate classification (germline): Uncertain significance (0 of 4 stars; one submission).

Conditions:
Intellectual developmental disorder, autosomal dominant 6, with or without seizures. Also called: Intellectual disability, autosomal dominant 6; GRIN2B-related developmental delay, intellectual disability and autism spectrum disorder. Identifiers: Orphanet 589547, MedGen C3151411, MONDO:0013509, OMIM 613970.

Submission:

Diagnostics Centre, Carl Von Ossietzky University Oldenburg
Classification: Uncertain significance for Intellectual developmental disorder, autosomal dominant 6, with or without seizures. Last evaluated: 2025-01-21. Review status: no assertion criteria provided. Collection method: clinical testing. Allele origin: germline. Affected: yes. Observed: 1 variant allele.
Comment: The variant GRIN2B):c.677C>G p.(Pro226Arg), located in the coding exon 4 of GRIN2B gene, results from a cytosine to guanine substitution at nucleotide position c.677. The proline residue at protein position 226 is replaced by an arginine. Missense variants in this gene or the affected region are a known disease mechanism and are rare in the general population. The affected protein region has significant levels of missense constraint. In silico tools predict a deleterious effect in the protein structure/function (REVEL = 0.65). The variant has not yet been described in ClinVar. The variant is classified as very rare since it is absent in gnomAD v4.1.0. In summary, the variant is classified as variant of uncertain significance.

NM_000834.5(GRIN2B):c.677C>G (p.Pro226Arg)

Gene: GRIN2B (glutamate ionotropic receptor NMDA type subunit 2B; minus strand). Cytogenetic location: 12p13.1.
Variant type: single nucleotide variant.
Coding change: c.677C>G on transcript NM_000834.5 (MANE Select); coding-DNA position 677, C replaced by G.
Protein change: p.Pro226Arg; replaces proline 226 with arginine.
Molecular consequence: missense variant.
Genome position (GRCh38, 1-based): chr12:13,753,650, G>C on the plus strand (C>G on the coding strand, the complement: GRIN2B is on the minus strand). VCF-style: chr12-13753650-G-C. GRCh37 (hg19) VCF-style: chr12-13906584-G-C.
Other names: c.677C>G, p.Pro226Arg (NM_001413992.1, NM_001413993.1, NM_001413994.1 and 1 more transcripts); short protein forms P226R.
Identifiers: ClinVar variation 3899239 (VCV003899239.1).